The following is an entry in ClinVar:

NM_153460.4(IL17RC):c.2005C>T (p.Pro669Ser)

Gene: IL17RC (interleukin 17 receptor C; plus strand). Cytogenetic location: 3p25.3.
Variant type: single nucleotide variant.
Coding change: c.2005C>T on transcript NM_153460.4 (MANE Select); coding-DNA position 2005, C replaced by T.
Protein change: p.Pro669Ser; replaces proline 669 with serine.
Molecular consequence: missense variant. On other transcripts: non-coding transcript variant (1).
Genome position (GRCh38, 1-based): chr3:9,933,435, C>T. VCF-style: chr3-9933435-C-T. GRCh37 (hg19) VCF-style: chr3-9975119-C-T.
Other names: c.1966C>T, p.Pro656Ser (NM_001203263.2); c.1915C>T, p.Pro639Ser (NM_001203264.2); c.1909C>T, p.Pro637Ser (NM_001203265.2); c.1927C>T, p.Pro643Ser (NM_001367278.1); c.1846C>T, p.Pro616Ser (NM_001367279.1); c.1921C>T, p.Pro641Ser (NM_001367280.1); c.1870C>T, p.Pro624Ser (NM_001410711.1); c.1960C>T, p.Pro654Ser (NM_032732.6); and 1 more; short protein forms P624S, P669S, P740S, P616S, P639S, P641S, P643S, P654S.
Identifiers: ClinVar variation 2111594 (VCV002111594.4), dbSNP rs767852728, ClinGen allele CA2247460.

ClinVar aggregate classification (germline): Uncertain significance (1 of 4 stars; one submission).

Conditions:
Candidiasis, familial, 9 (CANDF9). Identifiers: Orphanet 1334, MedGen C4225324, MONDO:0014642, OMIM 616445.

Allele frequency attached by ClinVar (database versions not stated): ExAC 0.00001; gnomAD 0.00001.
gnomAD v4.1: 2 of 1,613,076 alleles (0.00012%); highest among the groups gnomAD compares: Non-Finnish European, 0.00017%; no homozygotes.

Submission:

Labcorp Genetics (formerly Invitae), Labcorp
Classification: Uncertain significance for Candidiasis, familial, 9. Last evaluated: 2022-03-14. Review status: criteria provided, single submitter. Criteria: Invitae Variant Classification Sherloc (09022015). Collection method: clinical testing. Allele origin: germline.
Comment: In summary, the available evidence is currently insufficient to determine the role of this variant in disease. Therefore, it has been classified as a Variant of Uncertain Significance. Algorithms developed to predict the effect of missense changes on protein structure and function output the following: SIFT: "Tolerated"; PolyPhen-2: "Benign"; Align-GVGD: "Class C0". The serine amino acid residue is found in multiple mammalian species, which suggests that this missense change does not adversely affect protein function. This variant has not been reported in the literature in individuals affected with IL17RC-related conditions. This variant is present in population databases (rs767852728, gnomAD 0.0009%). This sequence change replaces proline, which is neutral and non-polar, with serine, which is neutral and polar, at codon 740 of the IL17RC protein (p.Pro740Ser).